The following is an entry in ClinVar:

ClinVar aggregate classification (germline): Pathogenic (1 of 4 stars; one submission).

Conditions:
Osteogenesis imperfecta type 7 (OI7). Also called: OSTEOGENESIS IMPERFECTA, TYPE IIB; Osteogenesis imperfecta type 2B; OI type 2B; Osteogenesis imperfecta, perinatal lethal autosomal recessive; OI type IIB; OI type 7. Identifiers: MedGen C1853162, MONDO:0012536, OMIM 610682.

Allele frequency attached by ClinVar (database versions not stated): TOPMed below 0.00001.

Submission:

Labcorp Genetics (formerly Invitae), Labcorp
Classification: Pathogenic for Osteogenesis imperfecta type 7. Last evaluated: 2022-05-12. Review status: criteria provided, single submitter. Criteria: Invitae Variant Classification Sherloc (09022015). Collection method: clinical testing. Allele origin: germline.
Comment: This variant has not been reported in the literature in individuals affected with CRTAP-related conditions. For these reasons, this variant has been classified as Pathogenic. This variant is not present in population databases (gnomAD no frequency). This sequence change creates a premature translational stop signal (p.Lys149*) in the CRTAP gene. It is expected to result in an absent or disrupted protein product. Loss-of-function variants in CRTAP are known to be pathogenic (PMID: 17055431, 19862557, 24715559).

Literature cited by the submitters: PubMed 17055431; PubMed 19862557; PubMed 24715559.

NM_006371.5(CRTAP):c.445A>T (p.Lys149Ter)

Gene: CRTAP (cartilage associated protein; plus strand). Cytogenetic location: 3p22.3.
Variant type: single nucleotide variant.
Coding change: c.445A>T on transcript NM_006371.5 (MANE Select); coding-DNA position 445, A replaced by T.
Protein change: p.Lys149Ter; replaces lysine 149 with a stop codon.
Molecular consequence: nonsense.
Genome position (GRCh38, 1-based): chr3:33,114,522, A>T. VCF-style: chr3-33114522-A-T. GRCh37 (hg19) VCF-style: chr3-33156014-A-T.
Other names: c.445A>T, p.Lys149Ter (NM_001393363.1, NM_001393364.1, NM_001393365.1); short protein forms K149*.
Identifiers: ClinVar variation 1925740 (VCV001925740.5), dbSNP rs1701320767, ClinGen allele CA352008864.